The following is an entry in ClinVar:

NM_004995.4(MMP14):c.1302G>A (p.Lys434=)

Gene: MMP14 (matrix metallopeptidase 14; plus strand). Cytogenetic location: 14q11.2.
Variant type: single nucleotide variant.
Coding change: c.1302G>A on transcript NM_004995.4 (MANE Select); coding-DNA position 1302, G replaced by A.
Protein change: p.Lys434=; no amino-acid change (lysine 434 retained).
Molecular consequence: synonymous variant.
Genome position (GRCh38, 1-based): chr14:22,845,251, G>A. VCF-style: chr14-22845251-G-A. GRCh37 (hg19) VCF-style: chr14-23314460-G-A.
Identifiers: ClinVar variation 2886529 (VCV002886529.3), dbSNP rs779735411, ClinGen allele CA7105442.

ClinVar aggregate classification (germline): Uncertain significance (1 of 4 stars; one submission).

Allele frequency attached by ClinVar (database versions not stated): gnomAD 0.00001; TOPMed 0.00002.
gnomAD v4.1: 8 of 1,612,148 alleles (0.0005%); highest among the groups gnomAD compares: African/African-American, 0.0027%; no homozygotes.

Submission:

Labcorp Genetics (formerly Invitae), Labcorp
Classification: Uncertain significance. Last evaluated: 2022-12-17. Review status: criteria provided, single submitter. Criteria: Invitae Variant Classification Sherloc (09022015). Collection method: clinical testing. Allele origin: germline.
Comment: In summary, the available evidence is currently insufficient to determine the role of this variant in disease. Therefore, it has been classified as a Variant of Uncertain Significance. Algorithms developed to predict the effect of sequence changes on RNA splicing suggest that this variant may create or strengthen a splice site. This variant has not been reported in the literature in individuals affected with MMP14-related conditions. This variant is present in population databases (rs779735411, gnomAD 0.002%). This sequence change affects codon 434 of the MMP14 mRNA. It is a 'silent' change, meaning that it does not change the encoded amino acid sequence of the MMP14 protein. It affects a nucleotide within the consensus splice site.